The following is an entry in ClinVar:

NM_001943.5(DSG2):c.2836A>C (p.Met946Leu)

Genes: DSG2 (desmoglein 2; plus strand), DSG2-AS1 (DSG2 antisense RNA 1; minus strand). Cytogenetic location: 18q12.1.
Variant type: single nucleotide variant.
Coding change: c.2836A>C on transcript NM_001943.5 (MANE Select); coding-DNA position 2836, A replaced by C.
Protein change: p.Met946Leu; replaces methionine 946 with leucine.
Molecular consequence: missense variant.
Genome position (GRCh38, 1-based): chr18:31,546,222, A>C. VCF-style: chr18-31546222-A-C. GRCh37 (hg19) VCF-style: chr18-29126185-A-C.
Other names: short protein forms M946L.
Identifiers: ClinVar variation 2719648 (VCV002719648.3), dbSNP rs770026700, ClinGen allele CA402147065.
Genomic context (GRCh38, chr18:31,546,222, plus strand): 5'-GACCCAATGGCTTCTAGAAATGTGATAGCAACAGAAACTTCCTATGTCACAGGGTCCACT[A>C]TGCCACCAACCACTGTGATCCTGGGTCCTAGCCAGCCACAGAGCCTTATTGTGACAGAGA-3'
Protein context (NP_001934.2, residues 936-956): TETSYVTGST[Met946Leu]PPTTVILGPS

ClinVar aggregate classification (germline): Uncertain significance (1 of 4 stars; one submission).

Conditions:
Arrhythmogenic right ventricular dysplasia 10. Also called: Arrhythmogenic Right Ventricular Dysplasia/Cardiomyopathy10; Arrhythmogenic right ventricular dysplasia/cardiomyopathy, type 10; ARRHYTHMOGENIC RIGHT VENTRICULAR DYSPLASIA, FAMILIAL, 10. Identifiers: MedGen C1857777, MONDO:0012434, OMIM 610193.

gnomAD v4.1: 1 of 1,611,772 alleles (0.000062%); highest among the groups gnomAD compares: African/African-American, 0.0013%; no homozygotes.

Submission:

Labcorp Genetics (formerly Invitae), Labcorp
Classification: Uncertain significance for Arrhythmogenic right ventricular dysplasia 10. Last evaluated: 2023-12-05. Review status: criteria provided, single submitter. Criteria: Invitae Variant Classification Sherloc (09022015). Collection method: clinical testing. Allele origin: germline.
Comment: This sequence change replaces methionine, which is neutral and non-polar, with leucine, which is neutral and non-polar, at codon 946 of the DSG2 protein (p.Met946Leu). This variant is not present in population databases (gnomAD no frequency). This variant has not been reported in the literature in individuals affected with DSG2-related conditions. Advanced modeling of protein sequence and biophysical properties (such as structural, functional, and spatial information, amino acid conservation, physicochemical variation, residue mobility, and thermodynamic stability) performed at Invitae indicates that this missense variant is not expected to disrupt DSG2 protein function with a negative predictive value of 95%. In summary, the available evidence is currently insufficient to determine the role of this variant in disease. Therefore, it has been classified as a Variant of Uncertain Significance.